The following is an entry in ClinVar:

ClinVar aggregate classification (germline): Uncertain significance (0 of 4 stars; one submission).

Conditions:
SEMA3D-related disorder. Also called: SEMA3D-related condition.

gnomAD v4.1: 7 of 1,562,298 alleles (0.00045%); highest among the groups gnomAD compares: Non-Finnish European, 0.00061%; no homozygotes.

Submission:

PreventionGenetics, part of Exact Sciences
Classification: Uncertain significance for SEMA3D-related condition. Last evaluated: 2024-08-06. Review status: no assertion criteria provided. Collection method: clinical testing. Allele origin: germline.
Comment: The SEMA3D c.312+1G>C variant is predicted to disrupt the GT donor site and interfere with normal splicing. To our knowledge, this variant has not been reported in the literature or in a large population database, indicating this variant is rare. At this time, the clinical significance of this variant is uncertain due to the absence of conclusive functional and genetic evidence.

NM_001384900.1(SEMA3D):c.312+1G>C

Gene: SEMA3D (semaphorin 3D; minus strand). Cytogenetic location: 7q21.11.
Variant type: single nucleotide variant.
Coding change: c.312+1G>C on transcript NM_001384900.1 (MANE Select); the canonical splice donor site of the intron after coding-DNA position 312, G replaced by C.
Molecular consequence: splice donor variant.
Genome position (GRCh38, 1-based): chr7:85,097,804, C>G on the plus strand (G>C on the coding strand, the complement: SEMA3D is on the minus strand). VCF-style: chr7-85097804-C-G. GRCh37 (hg19) VCF-style: chr7-84727120-C-G.
Other names: c.312+1G>C (NM_001384901.1, NM_001384903.1, NM_001384902.1 and 1 more transcripts).
Identifiers: ClinVar variation 3354791 (VCV003354791.1).